The following is an entry in ClinVar:

ClinVar aggregate classification (germline): Pathogenic (1 of 4 stars; one submission).

Submission:

Labcorp Genetics (formerly Invitae), Labcorp
Classification: Pathogenic. Last evaluated: 2022-12-22. Review status: criteria provided, single submitter. Criteria: Invitae Variant Classification Sherloc (09022015). Collection method: clinical testing. Allele origin: germline.
Comment: This sequence change creates a premature translational stop signal (p.Met1911Ilefs*4) in the SPTB gene. It is expected to result in an absent or disrupted protein product. Loss-of-function variants in SPTB are known to be pathogenic (PMID: 1391962, 1498324, 8844207, 26830532, 27292444). This variant is not present in population databases (gnomAD no frequency). This variant has not been reported in the literature in individuals affected with SPTB-related conditions. For these reasons, this variant has been classified as Pathogenic.

Literature cited by the submitters: PubMed 1391962; PubMed 1498324; PubMed 8844207; PubMed 26830532; PubMed 27292444.

NM_001355436.2(SPTB):c.5732dup (p.Met1911fs)

Gene: SPTB (spectrin beta, erythrocytic; minus strand). Cytogenetic location: 14q23.3.
Variant type: Duplication.
Coding change: c.5732dup on transcript NM_001355436.2 (MANE Select); coding-DNA position 5732, one base duplicated (T; older notation c.5732dupT).
Protein change: p.Met1911fs; shifts the reading frame from methionine 1911.
Molecular consequence: frameshift variant.
Genome position (GRCh38, 1-based): chr14:64,770,951, A duplicated on the plus strand (T on the coding strand, the reverse complement: SPTB is on the minus strand). VCF-style (leftmost placement, unchanged base first): chr14-64770950-C-CA. GRCh37 (hg19) VCF-style: chr14-65237668-C-CA.
Other names: c.5732dup, p.Met1911fs (NM_001024858.4, NM_001355437.2); short protein forms M1911fs.
Identifiers: ClinVar variation 2823329 (VCV002823329.3), dbSNP rs2503048132, ClinGen allele CA2739277904.